The following is an entry in ClinVar:

NM_025114.4(CEP290):c.5852C>G (p.Ala1951Gly)

Gene: CEP290 (centrosomal protein 290; minus strand). Cytogenetic location: 12q21.32.
Variant type: single nucleotide variant.
Coding change: c.5852C>G on transcript NM_025114.4 (MANE Select); coding-DNA position 5852, C replaced by G.
Protein change: p.Ala1951Gly; replaces alanine 1951 with glycine.
Molecular consequence: missense variant.
Genome position (GRCh38, 1-based): chr12:88,071,784, G>C on the plus strand (C>G on the coding strand, the complement: CEP290 is on the minus strand). VCF-style: chr12-88071784-G-C. GRCh37 (hg19) VCF-style: chr12-88465561-G-C.
Other names: short protein forms A1951G.
Identifiers: ClinVar variation 846333 (VCV000846333.11), dbSNP rs2035394009, ClinGen allele CA385984319.

ClinVar aggregate classification (germline): Uncertain significance. Review status: criteria provided, single submitter (1 of 4 stars). 2 submissions from 2 submitters: Uncertain significance (1). 1 of the submissions does not count toward it. Last evaluated 2019-04-24.

Conditions:
Meckel-Gruber syndrome. Also called: DYSENCEPHALIA SPLANCHNOCYSTICA; GRUBER SYNDROME; Dysencephalia splachnocystica. Identifiers: Orphanet 564, MedGen C0265215, MONDO:0018921.
Nephronophthisis. Also called: Juvenile Nephronophthisis. Identifiers: Orphanet 655, MedGen C0687120, MONDO:0019005, HP:0000090.
Joubert syndrome. Also called: CEREBELLOPARENCHYMAL DISORDER IV; JOUBERT-BOLTSHAUSER SYNDROME; Familial aplasia of the vermis. Identifiers: Orphanet 475, MedGen C5979921, MONDO:0018772.
Leber congenital amaurosis (LCA). Also called: Leber's amaurosis. Identifiers: Orphanet 65, MedGen C0339527, MeSH D057130, MONDO:0018998.

Submissions (2):

Labcorp Genetics (formerly Invitae), Labcorp
Classification: Uncertain significance for Joubert syndrome; Meckel-Gruber syndrome; Nephronophthisis. Last evaluated: 2019-04-24. Review status: criteria provided, single submitter. Criteria: Invitae Variant Classification Sherloc (09022015). Collection method: clinical testing. Allele origin: germline.
Comment: This sequence change replaces alanine with glycine at codon 1951 of the CEP290 protein (p.Ala1951Gly). The alanine residue is moderately conserved and there is a small physicochemical difference between alanine and glycine. This variant is not present in population databases (ExAC no frequency). This variant has not been reported in the literature in individuals with CEP290-related conditions. Algorithms developed to predict the effect of missense changes on protein structure and function (SIFT, PolyPhen-2, Align-GVGD) all suggest that this variant is likely to be tolerated, but these predictions have not been confirmed by published functional studies and their clinical significance is uncertain. In summary, the available evidence is currently insufficient to determine the role of this variant in disease. Therefore, it has been classified as a Variant of Uncertain Significance.

Natera, Inc.
Classification: Uncertain significance for Leber congenital amaurosis. Last evaluated: 2020-07-31. Review status: no assertion criteria provided. Collection method: clinical testing. Allele origin: germline. Not counted in ClinVar's aggregate classification.